The following is an entry in ClinVar:

ClinVar aggregate classification (germline): Uncertain significance (1 of 4 stars; one submission).

Conditions:
Neuropathy, hereditary sensory and autonomic, type 2A (HSAN2A). Also called: WNK1-Related HSAN2 (HSAN2A); MORVAN DISEASE; NEUROPATHY, CONGENITAL SENSORY; NEUROPATHY, HEREDITARY SENSORY RADICULAR, AUTOSOMAL RECESSIVE; NEUROPATHY, HEREDITARY SENSORY, TYPE IIA; NEUROPATHY, PROGRESSIVE SENSORY, OF CHILDREN. Identifiers: Orphanet 970, MedGen C2752089, MONDO:0024309, OMIM 201300.
Generalized epilepsy with febrile seizures plus, type 7 (GEFSP7). Also called: GEFS+, TYPE 7. Identifiers: Orphanet 36387, MedGen C2751778, MONDO:0013470, OMIM 613863.

Allele frequency attached by ClinVar (database versions not stated): gnomAD exomes below 0.00001; gnomAD 0.00001; TOPMed 0.00002.
gnomAD v4.1: 4 of 1,613,914 alleles (0.00025%); highest among the groups gnomAD compares: African/African-American, 0.0053%; no homozygotes.

Submission:

Labcorp Genetics (formerly Invitae), Labcorp
Classification: Uncertain significance for Neuropathy, hereditary sensory and autonomic, type 2A; Generalized epilepsy with febrile seizures plus, type 7. Last evaluated: 2024-02-12. Review status: criteria provided, single submitter. Criteria: Invitae Variant Classification Sherloc (09022015). Collection method: clinical testing. Allele origin: germline.
Comment: This sequence change replaces aspartic acid, which is acidic and polar, with asparagine, which is neutral and polar, at codon 891 of the SCN9A protein (p.Asp891Asn). This variant is present in population databases (no rsID available, gnomAD 0.008%). This variant has not been reported in the literature in individuals affected with SCN9A-related conditions. ClinVar contains an entry for this variant (Variation ID: 2172193). Advanced modeling of protein sequence and biophysical properties (such as structural, functional, and spatial information, amino acid conservation, physicochemical variation, residue mobility, and thermodynamic stability) performed at Invitae indicates that this missense variant is not expected to disrupt SCN9A protein function with a negative predictive value of 95%. In summary, the available evidence is currently insufficient to determine the role of this variant in disease. Therefore, it has been classified as a Variant of Uncertain Significance.

NM_001365536.1(SCN9A):c.2704G>A (p.Asp902Asn)

Genes: SCN9A (sodium voltage-gated channel alpha subunit 9; minus strand), SCN1A-AS1 (SCN1A and SCN9A antisense RNA 1; plus strand). Cytogenetic location: 2q24.3.
Variant type: single nucleotide variant.
Coding change: c.2704G>A on transcript NM_001365536.1 (MANE Select); coding-DNA position 2704, G replaced by A.
Protein change: p.Asp902Asn; replaces aspartic acid 902 with asparagine.
Molecular consequence: missense variant. On other transcripts: non-coding transcript variant (1).
Genome position (GRCh38, 1-based): chr2:166,277,153, C>T on the plus strand (G>A on the coding strand, the complement: SCN9A is on the minus strand). VCF-style: chr2-166277153-C-T. GRCh37 (hg19) VCF-style: chr2-167133663-C-T.
Other names: c.2671G>A, p.Asp891Asn (NM_002977.4); short protein forms D902N, D891N.
Identifiers: ClinVar variation 2172193 (VCV002172193.4), dbSNP rs1410410504, ClinGen allele CA349077756.